The following is an entry in ClinVar:

NM_203446.3(SYNJ1):c.2296G>T (p.Ala766Ser)

Gene: SYNJ1 (synaptojanin 1; minus strand). Cytogenetic location: 21q22.11.
Variant type: single nucleotide variant.
Coding change: c.2296G>T on transcript NM_203446.3 (MANE Select); coding-DNA position 2296, G replaced by T.
Protein change: p.Ala766Ser; replaces alanine 766 with serine.
Molecular consequence: missense variant.
Genome position (GRCh38, 1-based): chr21:32,664,921, C>A on the plus strand (G>T on the coding strand, the complement: SYNJ1 is on the minus strand). VCF-style: chr21-32664921-C-A. GRCh37 (hg19) VCF-style: chr21-34037231-C-A.
Other names: c.2296G>T, p.Ala766Ser (NM_001160302.2); c.2281G>T, p.Ala761Ser (NM_001160306.2); c.2413G>T, p.Ala805Ser (NM_003895.4); short protein forms A805S, A761S, A766S.
Identifiers: ClinVar variation 1432500 (VCV001432500.8), dbSNP rs2040864240, ClinGen allele CA410076944.

ClinVar aggregate classification (germline): Uncertain significance (1 of 4 stars; one submission).

Conditions:
Developmental and epileptic encephalopathy, 53. Also called: Epileptic encephalopathy, early infantile, 53. Identifiers: MedGen C4479313, MONDO:0033362, OMIM 617389.
Early-onset Parkinson disease 20. Also called: PARKINSON DISEASE 20, AUTOSOMAL RECESSIVE EARLY-ONSET. Identifiers: Orphanet 391411, MedGen C3809824, MONDO:0014233, OMIM 615530.

Submission:

Labcorp Genetics (formerly Invitae), Labcorp
Classification: Uncertain significance for Developmental and epileptic encephalopathy, 53; Early-onset Parkinson disease 20. Last evaluated: 2022-02-05. Review status: criteria provided, single submitter. Criteria: Invitae Variant Classification Sherloc (09022015). Collection method: clinical testing. Allele origin: germline.
Comment: In summary, the available evidence is currently insufficient to determine the role of this variant in disease. Therefore, it has been classified as a Variant of Uncertain Significance. Algorithms developed to predict the effect of missense changes on protein structure and function output the following: SIFT: "Tolerated"; PolyPhen-2: "Benign"; Align-GVGD: "Class C0". The serine amino acid residue is found in multiple mammalian species, which suggests that this missense change does not adversely affect protein function. This variant has not been reported in the literature in individuals affected with SYNJ1-related conditions. This variant is not present in population databases (gnomAD no frequency). This sequence change replaces alanine, which is neutral and non-polar, with serine, which is neutral and polar, at codon 805 of the SYNJ1 protein (p.Ala805Ser).